The following is an entry in ClinVar:

ClinVar aggregate classification (germline): Uncertain significance (1 of 4 stars; one submission).

Conditions:
Neutrophil immunodeficiency syndrome. Also called: Immunodeficiency 73A with defective neutrophil chemotaxis and leukocytosis. Identifiers: Orphanet 183707, MedGen C1842398, MONDO:0011988, OMIM 608203.

Allele frequency attached by ClinVar (database versions not stated): TOPMed below 0.00001; gnomAD 0.00001.
gnomAD v4.1: 1 of 1,613,526 alleles (0.000062%); highest among the groups gnomAD compares: Non-Finnish European, 0.000085%; no homozygotes.

Submission:

Labcorp Genetics (formerly Invitae), Labcorp
Classification: Uncertain significance for Neutrophil immunodeficiency syndrome. Last evaluated: 2023-07-26. Review status: criteria provided, single submitter. Criteria: Invitae Variant Classification Sherloc (09022015). Collection method: clinical testing. Allele origin: germline.
Comment: This sequence change replaces proline, which is neutral and non-polar, with leucine, which is neutral and non-polar, at codon 69 of the RAC2 protein (p.Pro69Leu). This variant is not present in population databases (gnomAD no frequency). This variant has not been reported in the literature in individuals affected with RAC2-related conditions. ClinVar contains an entry for this variant (Variation ID: 1967623). Advanced modeling of protein sequence and biophysical properties (such as structural, functional, and spatial information, amino acid conservation, physicochemical variation, residue mobility, and thermodynamic stability) performed at Invitae indicates that this missense variant is expected to disrupt RAC2 protein function. In summary, the available evidence is currently insufficient to determine the role of this variant in disease. Therefore, it has been classified as a Variant of Uncertain Significance.

NM_002872.5(RAC2):c.206C>T (p.Pro69Leu)

Gene: RAC2 (Rac family small GTPase 2; minus strand). Cytogenetic location: 22q13.1.
Variant type: single nucleotide variant.
Coding change: c.206C>T on transcript NM_002872.5 (MANE Select); coding-DNA position 206, C replaced by T.
Protein change: p.Pro69Leu; replaces proline 69 with leucine.
Molecular consequence: missense variant.
Genome position (GRCh38, 1-based): chr22:37,232,820, G>A on the plus strand (C>T on the coding strand, the complement: RAC2 is on the minus strand). VCF-style: chr22-37232820-G-A. GRCh37 (hg19) VCF-style: chr22-37628860-G-A.
Other names: short protein forms P69L.
Identifiers: ClinVar variation 1967623 (VCV001967623.5), dbSNP rs1443752435, ClinGen allele CA411443348.